The following is an entry in ClinVar:

ClinVar aggregate classification (germline): Pathogenic (1 of 4 stars; one submission).

Conditions:
Neurofibromatosis, type 1 (NF1). Also called: VON RECKLINGHAUSEN DISEASE; Peripheral type neurofibromatosis; NEUROFIBROMATOSIS, TYPE I, SOMATIC; Neurofibromatosis, type I. Identifiers: Orphanet 636, MedGen C0027831, MONDO:0018975, OMIM 162200. Disease mechanism: loss of function.

Submission:

Department of Genetics, Sultan Qaboos University Hospital
Classification: Pathogenic for Neurofibromatosis, type 1. Last evaluated: 2026-04-01. Review status: criteria provided, single submitter. Criteria: ACMG Guidelines, 2015. Collection method: clinical testing. Allele origin: germline. Affected: yes. Observed: 1 variant allele.
Comment: PVS1,PM2

NM_001042492.3(NF1):c.4059del (p.Ser1354fs)

Gene: NF1 (neurofibromin 1; plus strand). Cytogenetic location: 17q11.2.
Variant type: Deletion.
Coding change: c.4059del on transcript NM_001042492.3 (MANE Select); coding-DNA position 4059, one base deleted (C; older notation c.4059delC).
Protein change: p.Ser1354fs; shifts the reading frame from serine 1354.
Molecular consequence: frameshift variant.
Genome position (GRCh38, 1-based): chr17:31,249,068, C deleted; the last of 2 consecutive C bases (chr17:31,249,067-31,249,068); deleting either gives the same sequence. VCF-style (leftmost placement, unchanged base first): chr17-31249066-TC-T. GRCh37 (hg19) VCF-style: chr17-29576084-TC-T.
Other names: c.4059del, p.Ser1354fs (NM_000267.4); c.4059delC, p.Ser1354Profs (NM_001042492.2); short protein forms S1354fs.
Identifiers: ClinVar variation 4823928 (VCV004823928.1).